The following is an entry in ClinVar:

ClinVar aggregate classification (germline): Conflicting classifications of pathogenicity. Review status: criteria provided, conflicting classifications (1 of 4 stars). 4 submissions from 4 submitters: Uncertain significance (3); Likely benign (1). Last evaluated 2024-02-24.

Conditions:
Hereditary breast ovarian cancer syndrome. Also called: Breast and ovarian cancer; BRCA1- and BRCA2-Associated Hereditary Breast and Ovarian Cancer; Hereditary breast and ovarian cancer; Hereditary breast and/or ovarian cancer syndrome; Hereditary breast and ovarian cancer syndrome; Hereditary breast and ovarian cancer syndrome (HBOC). Identifiers: Orphanet 145, MedGen C0677776, MeSH D061325, MONDO:0003582. Disease mechanism: loss of function.
Hereditary cancer-predisposing syndrome. Also called: Neoplastic Syndromes, Hereditary; Tumor predisposition; Hereditary Cancer Syndrome; Hereditary neoplastic syndrome. Identifiers: Orphanet 140162, MedGen C0027672, MeSH D009386, MONDO:0015356.

gnomAD v4.1: 1 of 1,614,070 alleles (0.000062%); no homozygotes.

Submissions (4):

Ambry Genetics
Classification: Uncertain significance for Hereditary cancer-predisposing syndrome. Last evaluated: 2024-02-24. Review status: criteria provided, single submitter. Criteria: Ambry Variant Classification Scheme 2023. Collection method: clinical testing. Allele origin: germline.
Comment: The p.S1174C variant (also known as c.3521C>G), located in coding exon 9 of the BRCA1 gene, results from a C to G substitution at nucleotide position 3521. The serine at codon 1174 is replaced by cysteine, an amino acid with dissimilar properties. This amino acid position is highly conserved in available vertebrate species. In addition, this alteration is predicted to be deleterious by in silico analysis. Since supporting evidence is limited at this time, the clinical significance of this alteration remains unclear.

University of Washington Department of Laboratory Medicine, University of Washington
Classification: Likely benign for Hereditary cancer-predisposing syndrome. Last evaluated: 2023-03-23. Review status: criteria provided, single submitter. Criteria: Dines et al. (Genet Med. 2020). Collection method: curation. Allele origin: germline.
Comment: Missense variant in a coldspot region where missense variants are very unlikely to be pathogenic (PMID:31911673).

BRCA1 coldspot (exon 11 using historical exon numbering). Reclassification based on statistical prior probability

GeneDx
Classification: Uncertain significance. Last evaluated: 2022-08-18. Review status: criteria provided, single submitter. Criteria: GeneDx Variant Classification Process June 2021. Collection method: clinical testing. Allele origin: germline. Affected: yes.
Comment: Not observed at significant frequency in large population cohorts (gnomAD); In silico analysis supports that this missense variant has a deleterious effect on protein structure/function; Has not been previously published as pathogenic or benign to our knowledge; Also known as 3640C>G

Labcorp Genetics (formerly Invitae), Labcorp
Classification: Uncertain significance for Hereditary breast ovarian cancer syndrome. Last evaluated: 2021-02-20. Review status: criteria provided, single submitter. Criteria: Invitae Variant Classification Sherloc (09022015). Collection method: clinical testing. Allele origin: germline.
Comment: This sequence change replaces serine with cysteine at codon 1174 of the BRCA1 protein (p.Ser1174Cys). The serine residue is moderately conserved and there is a moderate physicochemical difference between serine and cysteine. In summary, the available evidence is currently insufficient to determine the role of this variant in disease. Therefore, it has been classified as a Variant of Uncertain Significance. Algorithms developed to predict the effect of missense changes on protein structure and function are either unavailable or do not agree on the potential impact of this missense change (SIFT: "Deleterious"; PolyPhen-2: "Probably Damaging"; Align-GVGD: "Class C0"). This variant has not been reported in the literature in individuals with BRCA1-related disease. This variant is not present in population databases (ExAC no frequency).

NM_007294.4(BRCA1):c.3521C>G (p.Ser1174Cys)

Genes: BRCA1 (BRCA1 DNA repair associated; minus strand), LOC126862571 (BRD4-independent group 4 enhancer GRCh37_chr17:41243136-41244335; plus strand). Cytogenetic location: 17q21.31.
Variant type: single nucleotide variant.
Coding change: c.3521C>G on transcript NM_007294.4 (MANE Select); coding-DNA position 3521, C replaced by G.
Protein change: p.Ser1174Cys; replaces serine 1174 with cysteine.
Molecular consequence: missense variant. On other transcripts: intron variant (135).
Genome position (GRCh38, 1-based): chr17:43,092,010, G>C on the plus strand (C>G on the coding strand, the complement: BRCA1 is on the minus strand). VCF-style: chr17-43092010-G-C. GRCh37 (hg19) VCF-style: chr17-41244027-G-C.
Other names: c.3311C>G, p.Ser1104Cys (NM_001407907.1, NM_001407908.1, NM_001407909.1 and 13 more transcripts); c.3308C>G, p.Ser1103Cys (NM_001407915.1, NM_001407916.1, NM_001407917.1 and 9 more transcripts); c.3398C>G, p.Ser1133Cys (NM_001407919.1, NM_001407937.1, NM_001407938.1 and 19 more transcripts); c.3257C>G, p.Ser1086Cys (NM_001407920.1, NM_001407921.1, NM_001407922.1 and 9 more transcripts); c.3254C>G, p.Ser1085Cys (NM_001407930.1, NM_001407931.1, NM_001407932.1 and 2 more transcripts); c.3395C>G, p.Ser1132Cys (NM_001407940.1, NM_001407941.1, NM_001407649.1 and 11 more transcripts); c.3380C>G, p.Ser1127Cys (NM_001407942.1, NM_001407944.1, NM_001407945.1 and 29 more transcripts); c.3377C>G, p.Ser1126Cys (NM_001407943.1, NM_001407964.1, NM_001407740.1 and 20 more transcripts); and 41 more; short protein forms S1174C, S1127C, S1086C, S1104C, S1106C, S1147C, S306C, S1046C.
Identifiers: ClinVar variation 651521 (VCV000651521.18), dbSNP rs1055368753, ClinGen allele CA10594927.